The following is an entry in ClinVar:

ClinVar aggregate classification (germline): Likely benign (1 of 4 stars; one submission).

Conditions:
Hypertrophic cardiomyopathy. Also called: HYPERTROPHIC MYOCARDIOPATHY. Identifiers: Orphanet 217569, MedGen C0007194, MeSH D002312, MONDO:0005045, HP:0001639.

Allele frequency attached by ClinVar (database versions not stated): ExAC 0.00001; gnomAD exomes below 0.00001.
gnomAD v4.1: 1 of 1,614,152 alleles (0.000062%); highest among the groups gnomAD compares: Non-Finnish European, 0.000085%; no homozygotes.

Submission:

All of Us Research Program, National Institutes of Health
Classification: Likely benign for Hypertrophic cardiomyopathy. Last evaluated: 2023-10-02. Review status: criteria provided, single submitter. Criteria: ACMG Guidelines, 2015. Collection method: clinical testing. Allele origin: germline. Inheritance: Autosomal dominant inheritance. Observed: 1 variant allele, 1 heterozygote.
Comment: This study involves interpretation of variants in research participants for the purpose of population health screening. Participant phenotype was not available at the time of variant classification. Additional details can be found in publication PMID: 35346344, PMCID: PMC8962531

NM_000432.4(MYL2):c.276A>G (p.Gly92=)

Gene: MYL2 (myosin light chain 2; minus strand). Cytogenetic location: 12q24.11.
Variant type: single nucleotide variant.
Coding change: c.276A>G on transcript NM_000432.4 (MANE Select); coding-DNA position 276, A replaced by G.
Protein change: p.Gly92=; no amino-acid change (glycine 92 retained).
Molecular consequence: synonymous variant.
Genome position (GRCh38, 1-based): chr12:110,913,323, T>C on the plus strand (A>G on the coding strand, the complement: MYL2 is on the minus strand). VCF-style: chr12-110913323-T-C. GRCh37 (hg19) VCF-style: chr12-111351127-T-C.
Other names: c.234A>G, p.Gly78= (NM_001406745.1, NM_001406746.1); c.219A>G, p.Gly73= (NM_001406916.1).
Identifiers: ClinVar variation 3073539 (VCV003073539.1), dbSNP rs759261779, ClinGen allele CA041321.